The following is an entry in ClinVar:

ClinVar aggregate classification (germline): Uncertain significance (1 of 4 stars; one submission).

Conditions:
Dyskeratosis congenita, autosomal dominant 6 (DKCA6). Identifiers: Orphanet 3322, MedGen C4225284, MONDO:0014690, OMIM 616553.

Submission:

Labcorp Genetics (formerly Invitae), Labcorp
Classification: Uncertain significance for Dyskeratosis congenita, autosomal dominant 6. Last evaluated: 2025-12-23. Review status: criteria provided, single submitter. Criteria: Invitae Variant Classification Sherloc (09022015). Collection method: clinical testing. Allele origin: germline.
Comment: This sequence change creates a premature translational stop signal (p.Trp24Valfs*56) in the ACD gene. It is expected to result in an absent or disrupted protein product. However, the current clinical and genetic evidence is not sufficient to establish whether loss-of-function variants in ACD cause disease. This variant is present in population databases (rs757084527, gnomAD 0.003%). This variant has not been reported in the literature in individuals affected with ACD-related conditions. ClinVar contains an entry for this variant (Variation ID: 964834). In summary, the available evidence is currently insufficient to determine the role of this variant in disease. Therefore, it has been classified as a Variant of Uncertain Significance.

NC_000016.10:g.67660407_67660419del

Genes: ACD (ACD shelterin complex subunit and telomerase recruitment factor; minus strand), LOC130059224 (ATAC-STARR-seq lymphoblastoid silent region 7617; plus strand). Cytogenetic location: 16q22.1.
Variant type: Deletion.
Genome position: GRCh38 VCF-style: chr16-67660397-TCCCGCTGGTCCAC-T. GRCh37 (hg19) VCF-style: chr16-67694300-TCCCGCTGGTCCAC-T.
Identifiers: ClinVar variation 964834 (VCV000964834.9), dbSNP rs757084527, ClinGen allele CA8114925.
Genomic context (GRCh38, chr16:67,660,397, plus strand): 5'-GCCCACGTACACCCCGCGCCTGCGCACGAGGGCGTCCTGCTCGGGGGCCTGTGTGCAGAC[TCCCGCTGGTCCAC>T]CCCGCTGGTGCACGGGATGCTGGCCCGTTTACTCTCATCGCGGCGTCACTCTGACAGCGG-3'